The following is an entry in ClinVar:

NM_001903.5(CTNNA1):c.2043del (p.Ala682fs)

Gene: CTNNA1 (catenin alpha 1; plus strand). Cytogenetic location: 5q31.2.
Variant type: Deletion.
Coding change: c.2043del on transcript NM_001903.5 (MANE Select); coding-DNA position 2043, one base deleted (A; older notation c.2043delA).
Protein change: p.Ala682fs; shifts the reading frame from alanine 682.
Molecular consequence: frameshift variant.
Genome position (GRCh38, 1-based): chr5:138,930,505, A deleted; the last of 5 consecutive A bases (chr5:138,930,501-138,930,505); deleting any one gives the same sequence. VCF-style (leftmost placement, unchanged base first): chr5-138930500-CA-C. GRCh37 (hg19) VCF-style: chr5-138266189-CA-C.
Other names: c.2043del, p.Ala682fs (NM_001290307.3, NM_001323982.2, NM_001323983.1 and 2 more transcripts); c.1734del, p.Ala579fs (NM_001290309.3); c.1674del, p.Ala559fs (NM_001290310.3); c.933del, p.Ala312fs (NM_001290312.1, NM_001324000.1, NM_001324001.1 and 17 more transcripts); c.594del, p.Ala199fs (NM_001324006.1, NM_001324007.1, NM_001324008.1 and 2 more transcripts); c.840del, p.Ala281fs (NM_001324011.1); c.690del, p.Ala231fs (NM_001324012.1, NM_001324013.1); c.1950del, p.Ala651fs (NM_001323986.2); short protein forms A199fs, A231fs, A281fs, A312fs, A559fs, A579fs, A651fs, A682fs.
Identifiers: ClinVar variation 1700591 (VCV001700591.7), dbSNP rs2150334022, ClinGen allele CA2578421125.

ClinVar aggregate classification (germline): Pathogenic. Review status: criteria provided, single submitter (1 of 4 stars). 2 submissions from 2 submitters: Pathogenic (1). 1 of the submissions does not count toward it. Last evaluated 2023-05-15.

Conditions:
Colorectal cancer. Also called: Colorectal cancer, somatic; Malignant Colorectal Neoplasm. Identifiers: MedGen C0346629, MONDO:0005575, OMIM 114500.

Submissions (2):

Labcorp Genetics (formerly Invitae), Labcorp
Classification: Pathogenic. Last evaluated: 2023-05-15. Review status: criteria provided, single submitter. Criteria: Invitae Variant Classification Sherloc (09022015). Collection method: clinical testing. Allele origin: germline.
Comment: This variant is not present in population databases (gnomAD no frequency). This variant has not been reported in the literature in individuals affected with CTNNA1-related conditions. ClinVar contains an entry for this variant (Variation ID: 1700591). This sequence change creates a premature translational stop signal (p.Ala682Argfs*40) in the CTNNA1 gene. It is expected to result in an absent or disrupted protein product. Loss-of-function variants in CTNNA1 are known to be pathogenic (PMID: 32051609, 34425242). For these reasons, this variant has been classified as Pathogenic.

Genomic Center, National Cancer Institute
Classification: Pathogenic for Colorectal cancer. Review status: no assertion criteria provided. Collection method: case-control. Allele origin: germline. Affected: yes. Not counted in ClinVar's aggregate classification.

Literature cited by the submitters: PubMed 32051609 (cited by Labcorp Genetics (formerly Invitae), Labcorp); PubMed 34425242 (cited by Labcorp Genetics (formerly Invitae), Labcorp).